The following is an entry in ClinVar:

ClinVar aggregate classification (germline): Uncertain significance (1 of 4 stars; one submission).

Conditions:
Neurodevelopmental disorder with dysmorphic facies and thin corpus callosum. Identifiers: MedGen C5551361, MONDO:0859179, OMIM 619480.

Submission:

Victorian Clinical Genetics Services, Murdoch Childrens Research Institute
Classification: Uncertain significance for Neurodevelopmental disorder with dysmorphic facies and thin corpus callosum. Last evaluated: 2026-07-03. Review status: criteria provided, single submitter. Criteria: ACMG Guidelines, 2015. Collection method: clinical testing. Allele origin: germline. Affected: yes.
Comment: This variant is classified as VUS-3B. Evidence in support of pathogenic classification: Variant is absent from gnomAD (v2, v3 and v4); Additional information: Variant is predicted to result in a missense amino acid change from Leu to Ile; This variant is heterozygous; This gene is associated with autosomal dominant disease; This variant has no previous evidence of pathogenicity; No published evidence of segregation with disease has been identified for this variant; No published functional evidence has been identified for this variant; No comparable missense variants have previous evidence for pathogenicity; Variant is located in the annotated metallopeptidase family M24 domain (DECIPHER); Missense variant with inconclusive in silico prediction and/or uninformative conservation; The mechanism of disease for this gene is not clearly established. Knockdown studies in Drosophila have suggested that loss of function is a mechanism of disease in this gene (PMID: 36255738); The condition associated with this gene has incomplete penetrance. Variants have been reported to be inherited from unaffected parents which could suggest incomplete penetrance (PMID: 41556401).

Literature cited by the submitters: PubMed 41556401; PubMed 36255738.

NM_007192.4(SUPT16H):c.946T>A (p.Leu316Ile)

Gene: SUPT16H (SPT16 homolog, facilitates chromatin remodeling subunit; minus strand). Cytogenetic location: 14q11.2.
Variant type: single nucleotide variant.
Coding change: c.946T>A on transcript NM_007192.4 (MANE Select); coding-DNA position 946, T replaced by A.
Protein change: p.Leu316Ile; replaces leucine 316 with isoleucine.
Molecular consequence: missense variant.
Genome position (GRCh38, 1-based): chr14:21,368,278, A>T on the plus strand (T>A on the coding strand, the complement: SUPT16H is on the minus strand). VCF-style: chr14-21368278-A-T. GRCh37 (hg19) VCF-style: chr14-21836437-A-T.
Other names: short protein forms L316I.
Identifiers: ClinVar variation 4879582 (VCV004879582.1).